The following is an entry in ClinVar:

NM_024649.5(BBS1):c.1036G>A (p.Val346Ile)

Genes: BBS1 (Bardet-Biedl syndrome 1; plus strand), ZDHHC24 (zDHHC palmitoyltransferase 24; minus strand). Cytogenetic location: 11q13.2.
Variant type: single nucleotide variant.
Coding change: c.1036G>A on transcript NM_024649.5 (MANE Select); coding-DNA position 1036, G replaced by A.
Protein change: p.Val346Ile; replaces valine 346 with isoleucine.
Molecular consequence: missense variant. On other transcripts: intron variant (1).
Genome position (GRCh38, 1-based): chr11:66,523,808, G>A. VCF-style: chr11-66523808-G-A. GRCh37 (hg19) VCF-style: chr11-66291279-G-A.
Other names: c.*22-2342C>T (NM_001348571.2); short protein forms V346I.
Identifiers: ClinVar variation 305465 (VCV000305465.27), dbSNP rs201872547, ClinGen allele CA6123594.

ClinVar aggregate classification (germline): Benign/Likely benign. Review status: criteria provided, multiple submitters, no conflicts (2 of 4 stars). 3 submissions from 3 submitters: Benign (1); Likely benign (1). 1 of the submissions does not count toward it. Last evaluated 2026-01-28.

Conditions:
Bardet-Biedl syndrome (BBS). Identifiers: Orphanet 110, MedGen C0752166, MONDO:0015229.
Bardet-Biedl syndrome 1 (BBS1). Identifiers: MedGen C2936862, MONDO:0008854, OMIM 209900. Disease mechanism: loss of function.

Allele frequency attached by ClinVar (database versions not stated): gnomAD 0.00005 and 0.00033; TOPMed 0.00019; gnomAD exomes 0.00094 and 0.00045; ExAC 0.00099; 1000 Genomes Project 30x 0.00156; ESP Exome Variant Server 0.00008; 1000 Genomes Project 0.00160.
gnomAD v4.1: 716 of 1,613,612 alleles (0.044%); highest among the groups gnomAD compares: South Asian, 0.7%; 9 homozygotes.

Submissions (3):

Labcorp Genetics (formerly Invitae), Labcorp
Classification: Benign for Bardet-Biedl syndrome. Last evaluated: 2026-01-28. Review status: criteria provided, single submitter. Criteria: Invitae Variant Classification Sherloc (09022015). Collection method: clinical testing. Allele origin: germline.

Illumina Laboratory Services, Illumina
Classification: Likely benign for Bardet-Biedl syndrome 1. Last evaluated: 2018-01-13. Review status: criteria provided, single submitter. Criteria: ICSL Variant Classification Criteria 13 December 2019. Collection method: clinical testing. Allele origin: germline.
Comment: This variant was observed in the ICSL laboratory as part of a predisposition screen in an ostensibly healthy population. It had not been previously curated by ICSL or reported in the Human Gene Mutation Database (HGMD: prior to June 1st, 2018), and was therefore a candidate for classification through an automated scoring system. Utilizing variant allele frequency, disease prevalence and penetrance estimates, and inheritance mode, an automated score was calculated to assess if this variant is too frequent to cause the disease. Based on the score and internal cut-off values, a variant classified as likely benign is not then subjected to further curation. The score for this variant resulted in a classification of likely benign for this disease.

Natera, Inc.
Classification: Benign for Bardet-Biedl syndrome type 1. Last evaluated: 2020-01-15. Review status: no assertion criteria provided. Collection method: clinical testing. Allele origin: germline. Not counted in ClinVar's aggregate classification.